The following is an entry in ClinVar:

ClinVar aggregate classification (germline): Uncertain significance. Review status: criteria provided, multiple submitters, no conflicts (2 of 4 stars). 2 submissions from 2 submitters: Uncertain significance (2). Last evaluated 2025-07-03.

Conditions:
Cardiovascular phenotype. Identifiers: MedGen CN230736.

Allele frequency attached by ClinVar (database versions not stated): TOPMed below 0.00001.

Submissions (2):

Labcorp Genetics (formerly Invitae), Labcorp
Classification: Uncertain significance. Last evaluated: 2025-07-03. Review status: criteria provided, single submitter. Criteria: Invitae Variant Classification Sherloc (09022015). Collection method: clinical testing. Allele origin: germline.
Comment: This sequence change falls in intron 4 of the MFAP5 gene. It does not directly change the encoded amino acid sequence of the MFAP5 protein. It affects a nucleotide within the consensus splice site. This variant is not present in population databases (gnomAD no frequency). This variant has not been reported in the literature in individuals affected with MFAP5-related conditions. ClinVar contains an entry for this variant (Variation ID: 1771854). Variants that disrupt the consensus splice site are a relatively common cause of aberrant splicing (PMID: 17576681, 9536098). Algorithms developed to predict the effect of sequence changes on RNA splicing suggest that this variant may disrupt the consensus splice site. In summary, the available evidence is currently insufficient to determine the role of this variant in disease. Therefore, it has been classified as a Variant of Uncertain Significance.

Ambry Genetics
Classification: Uncertain significance for Cardiovascular phenotype. Last evaluated: 2021-02-10. Review status: criteria provided, single submitter. Criteria: Ambry Variant Classification Scheme 2023. Collection method: clinical testing. Allele origin: germline.
Comment: The c.140-3C>A intronic variant results from a C to A substitution 3 nucleotides upstream from coding exon 4 in the MFAP5 gene. This nucleotide position is highly conserved in available vertebrate species. In silico splice site analysis predicts that this alteration will weaken the native splice acceptor site. Since supporting evidence is limited at this time, the clinical significance of this alteration remains unclear.

Literature cited by the submitters: PubMed 17576681 (cited by Labcorp Genetics (formerly Invitae), Labcorp); PubMed 9536098 (cited by Labcorp Genetics (formerly Invitae), Labcorp).

NM_003480.4(MFAP5):c.140-3C>A

Gene: MFAP5 (microfibril associated protein 5; minus strand). Cytogenetic location: 12p13.31.
Variant type: single nucleotide variant.
Coding change: c.140-3C>A on transcript NM_003480.4 (MANE Select); 3 bases into the intron before coding-DNA position 140, C replaced by A.
Molecular consequence: intron variant.
Genome position (GRCh38, 1-based): chr12:8,655,450, G>T on the plus strand (C>A on the coding strand, the complement: MFAP5 is on the minus strand). VCF-style: chr12-8655450-G-T. GRCh37 (hg19) VCF-style: chr12-8808046-G-T.
Other names: c.104-3C>A (NM_001297710.2); c.140-3C>A (NM_001297711.2, NM_001297712.2, NM_001297709.2).
Identifiers: ClinVar variation 1771854 (VCV001771854.4), dbSNP rs1941955064, ClinGen allele CA944514195.